The following is an entry in ClinVar:

ClinVar aggregate classification (germline): Uncertain significance (1 of 4 stars; one submission).

Submission:

Labcorp Genetics (formerly Invitae), Labcorp
Classification: Uncertain significance. Last evaluated: 2022-08-09. Review status: criteria provided, single submitter. Criteria: Invitae Variant Classification Sherloc (09022015). Collection method: clinical testing. Allele origin: germline.
Comment: In summary, the available evidence is currently insufficient to determine the role of this variant in disease. Therefore, it has been classified as a Variant of Uncertain Significance. Algorithms developed to predict the effect of missense changes on protein structure and function (SIFT, PolyPhen-2, Align-GVGD) all suggest that this variant is likely to be tolerated. ClinVar contains an entry for this variant (Variation ID: 1523748). This variant has not been reported in the literature in individuals affected with DSG1-related conditions. This variant is not present in population databases (gnomAD no frequency). This sequence change replaces serine, which is neutral and polar, with threonine, which is neutral and polar, at codon 524 of the DSG1 protein (p.Ser524Thr).

NM_001942.4(DSG1):c.1570T>A (p.Ser524Thr)

Gene: DSG1 (desmoglein 1; plus strand). Cytogenetic location: 18q12.1.
Variant type: single nucleotide variant.
Coding change: c.1570T>A on transcript NM_001942.4 (MANE Select); coding-DNA position 1570, T replaced by A.
Protein change: p.Ser524Thr; replaces serine 524 with threonine.
Molecular consequence: missense variant.
Genome position (GRCh38, 1-based): chr18:31,339,908, T>A. VCF-style: chr18-31339908-T-A. GRCh37 (hg19) VCF-style: chr18-28919871-T-A.
Other names: short protein forms S524T.
Identifiers: ClinVar variation 1523748 (VCV001523748.8), dbSNP rs2144102496, ClinGen allele CA402138008.
Genomic context (GRCh38, chr18:31,339,908, plus strand): 5'-ACTGGCAGACAAGAAAGTACTTCTTCCACTAACTATGATACCAGCACAACTTCTACTGAC[T>A]CTAGCCAAGTATATTCTTCTGAACCCGGAAACGGAGCCAAAGATTTGTTATCAGACAATG-3'
Protein context (NP_001933.2, residues 514-534): NYDTSTTSTD[Ser524Thr]SQVYSSEPGN